The following is an entry in ClinVar:

NM_004991.4(MECOM):c.854A>C (p.His285Pro)

Gene: MECOM (MDS1 and EVI1 complex locus; minus strand). Cytogenetic location: 3q26.2.
Variant type: single nucleotide variant.
Coding change: c.854A>C on transcript NM_004991.4 (MANE Select); coding-DNA position 854, A replaced by C.
Protein change: p.His285Pro; replaces histidine 285 with proline.
Molecular consequence: missense variant.
Genome position (GRCh38, 1-based): chr3:169,122,704, T>G on the plus strand (A>C on the coding strand, the complement: MECOM is on the minus strand). VCF-style: chr3-169122704-T-G. GRCh37 (hg19) VCF-style: chr3-168840492-T-G.
Other names: c.290A>C, p.His97Pro (NM_001366470.2, NM_001366471.2, NM_001366472.2 and 9 more transcripts); c.854A>C, p.His285Pro (NM_001366473.2, NM_001366466.2); c.482A>C, p.His161Pro (NM_001105077.4); short protein forms H161P, H285P, H97P.
Identifiers: ClinVar variation 4859803 (VCV004859803.1).
Genomic context (GRCh38, chr3:169,122,704, plus strand): 5'-TTGGACTTCCAGTTAAATGCCTTGGGACACTGATCACACTTGTATTCCCTCTCTTCAGTA[T>G]GTGACAGCATGTGTTTCTCCAGGCTGTTAAGAGAACAATAGATTTTAAAAGACAAAGGAT-3'
Protein context (NP_004982.2, residues 275-295): LQSLEKHMLS[His285Pro]TEEREYKCDQ

ClinVar aggregate classification (germline): Uncertain significance (1 of 4 stars; one submission).

Conditions:
Inborn genetic diseases. Identifiers: MedGen C0950123, MeSH D030342.

gnomAD v4.1: 1 of 1,613,956 alleles (0.000062%); highest among the groups gnomAD compares: Non-Finnish European, 0.000085%; no homozygotes.

Submission:

Ambry Genetics
Classification: Uncertain significance for Inborn genetic diseases. Last evaluated: 2026-05-27. Review status: criteria provided, single submitter. Criteria: Ambry Variant Classification Scheme 2023. Collection method: clinical testing. Allele origin: germline.
Comment: The p.H285P variant (also known as c.854A>C), located in coding exon 6 of the MECOM gene, results from an A to C substitution at nucleotide position 854. The histidine at codon 285 is replaced by proline, an amino acid with similar properties. This amino acid position is conserved. In addition, this alteration is predicted to be deleterious by in silico analysis. Based on the available evidence, the clinical significance of this variant remains unclear.